The following is an entry in ClinVar:

NM_174916.3(UBR1):c.4150G>C (p.Val1384Leu)

Gene: UBR1 (ubiquitin protein ligase E3 component n-recognin 1; minus strand). Cytogenetic location: 15q15.2.
Variant type: single nucleotide variant.
Coding change: c.4150G>C on transcript NM_174916.3 (MANE Select); coding-DNA position 4150, G replaced by C.
Protein change: p.Val1384Leu; replaces valine 1384 with leucine.
Molecular consequence: missense variant.
Genome position (GRCh38, 1-based): chr15:42,983,897, C>G on the plus strand (G>C on the coding strand, the complement: UBR1 is on the minus strand). VCF-style: chr15-42983897-C-G. GRCh37 (hg19) VCF-style: chr15-43276095-C-G.
Other names: short protein forms V1384L.
Identifiers: ClinVar variation 3907607 (VCV003907607.1).
Genomic context (GRCh38, chr15:42,983,897, plus strand): 5'-GCAATAGAAAAAGATATATAAATAATATAATACATAATAATAGTTCAGAGAAGACTCTAC[C>G]TGATAGAAGACGAACCAGATGTTTCTGTATCAGGACCTGAGGACAGGTAATCCTCTGTGC-3'
Protein context (NP_777576.1, residues 1374-1394): IQKHLVRLLS[Val1384Leu]VLPNIKSEDT

ClinVar aggregate classification (germline): Uncertain significance (1 of 4 stars; one submission).

gnomAD v4.1: 1 of 1,606,932 alleles (0.000062%); highest among the groups gnomAD compares: Non-Finnish European, 0.000085%; no homozygotes.

Submission:

Women's Health and Genetics/Laboratory Corporation of America, LabCorp
Classification: Uncertain significance. Last evaluated: 2025-06-20. Review status: criteria provided, single submitter. Criteria: LabCorp Variant Classification Summary - May 2015. Collection method: clinical testing. Allele origin: germline.
Comment: Variant summary: UBR1 c.4150G>C (p.Val1384Leu) results in a conservative amino acid change in the encoded protein sequence. Algorithms developed to predict the effect of missense changes on protein structure and function are either unavailable or do not agree on the potential impact of this missense change. Several computational tools predict a significant impact on normal splicing: Three predict the variant abolishes a canonical 5' splicing donor site. However, these predictions have yet to be confirmed by functional studies. The variant was absent in 250838 control chromosomes. The available data on variant occurrences in the general population are insufficient to allow any conclusion about variant significance. To our knowledge, no occurrence of c.4150G>C in individuals affected with Johanson-Blizzard Syndrome and no experimental evidence demonstrating its impact on protein function have been reported. No submitters have cited clinical-significance assessments for this variant to ClinVar. Based on the evidence outlined above, the variant was classified as uncertain significance.